The following is an entry in ClinVar:

NM_001283009.2(RTEL1):c.809A>G (p.His270Arg)

Genes: RTEL1 (regulator of telomere elongation helicase 1; plus strand), RTEL1-TNFRSF6B (RTEL1-TNFRSF6B readthrough (NMD candidate); plus strand). Cytogenetic location: 20q13.33.
Variant type: single nucleotide variant.
Coding change: c.809A>G on transcript NM_001283009.2 (MANE Select); coding-DNA position 809, A replaced by G.
Protein change: p.His270Arg; replaces histidine 270 with arginine.
Molecular consequence: missense variant. On other transcripts: non-coding transcript variant (1).
Genome position (GRCh38, 1-based): chr20:63,673,983, A>G. VCF-style: chr20-63673983-A-G. GRCh37 (hg19) VCF-style: chr20-62305336-A-G.
Other names: c.140A>G, p.His47Arg (NM_001283010.1); c.809A>G, p.His270Arg (NM_016434.4); c.881A>G, p.His294Arg (NM_032957.5); short protein forms H47R, H270R, H294R.
Identifiers: ClinVar variation 3790954 (VCV003790954.1).
Genomic context (GRCh38, chr20:63,673,983, plus strand): 5'-GTGTGCTTGGGCTCTAGGAGAAGATGTGTGAAGAATCGGCATCCTTTGACCTGACTCCCC[A>G]TGACCTGGCTTCAGGACTGGACGTCATAGACCAGGTGCTGGAGGAGCAGACCAAGGCAGC-3'
Protein context (NP_001269938.1, residues 260-280): EESASFDLTP[His270Arg]DLASGLDVID

ClinVar aggregate classification (germline): Uncertain significance (1 of 4 stars; one submission).

Conditions:
Inborn genetic diseases. Identifiers: MedGen C0950123, MeSH D030342.

Submission:

Ambry Genetics
Classification: Uncertain significance for Inborn genetic diseases. Last evaluated: 2024-12-12. Review status: criteria provided, single submitter. Criteria: Ambry Variant Classification Scheme 2023. Collection method: clinical testing. Allele origin: germline.
Comment: The p.H270R variant (also known as c.809A>G), located in coding exon 9 of the RTEL1 gene, results from an A to G substitution at nucleotide position 809. The histidine at codon 270 is replaced by arginine, an amino acid with highly similar properties. This amino acid position is conserved. In addition, this alteration is predicted to be tolerated by in silico analysis. Based on the available evidence, the clinical significance of this variant remains unclear.